The following is an entry in ClinVar:

NM_014363.6(SACS):c.11665C>T (p.Gln3889Ter)

Gene: SACS (sacsin molecular chaperone; minus strand). Cytogenetic location: 13q12.12.
Variant type: single nucleotide variant.
Coding change: c.11665C>T on transcript NM_014363.6 (MANE Select); coding-DNA position 11665, C replaced by T.
Protein change: p.Gln3889Ter; replaces glutamine 3889 with a stop codon.
Molecular consequence: nonsense.
Genome position (GRCh38, 1-based): chr13:23,332,211, G>A on the plus strand (C>T on the coding strand, the complement: SACS is on the minus strand). VCF-style: chr13-23332211-G-A. GRCh37 (hg19) VCF-style: chr13-23906350-G-A.
Other names: c.11224C>T, p.Gln3742Ter (NM_001278055.2); short protein forms Q3742*, Q3889*.
Identifiers: ClinVar variation 2771617 (VCV002771617.4), dbSNP rs779073874, ClinGen allele CA6910244.

ClinVar aggregate classification (germline): Pathogenic/Likely pathogenic. Review status: criteria provided, multiple submitters, no conflicts (2 of 4 stars). 2 submissions from 2 submitters: Pathogenic (1); Likely pathogenic (1). Last evaluated 2023-10-24.

Conditions:
Spastic paraplegia. Identifiers: MedGen C0037772, HP:0001258.
Charlevoix-Saguenay spastic ataxia (SACS). Also called: SPASTIC ATAXIA 6, AUTOSOMAL RECESSIVE; AUTOSOMAL RECESSIVE SPASTIC ATAXIA OF CHARLEVOIX-SAGUENAY; Spastic ataxia of Charlevoix-Saguenay. Identifiers: Orphanet 98, MedGen C1849140, MONDO:0010041, OMIM 270550.

Allele frequency attached by ClinVar (database versions not stated): gnomAD 0.00001; ExAC 0.00002.
gnomAD v4.1: 2 of 1,613,864 alleles (0.00012%); highest among the groups gnomAD compares: Non-Finnish European, 0.00017%; no homozygotes.

Submissions (2):

Labcorp Genetics (formerly Invitae), Labcorp
Classification: Pathogenic for Spastic paraplegia. Last evaluated: 2023-10-24. Review status: criteria provided, single submitter. Criteria: Invitae Variant Classification Sherloc (09022015). Collection method: clinical testing. Allele origin: germline.
Comment: This sequence change creates a premature translational stop signal (p.Gln3889*) in the SACS gene. While this is not anticipated to result in nonsense mediated decay, it is expected to disrupt the last 691 amino acid(s) of the SACS protein. This variant is present in population databases (rs779073874, gnomAD 0.0009%). This variant has not been reported in the literature in individuals affected with SACS-related conditions. This variant disrupts a region of the SACS protein in which other variant(s) (p.Asn4549Asp) have been determined to be pathogenic (PMID: 15156359, 21507954). This suggests that this is a clinically significant region of the protein, and that variants that disrupt it are likely to be disease-causing. For these reasons, this variant has been classified as Pathogenic.

Kariminejad - Najmabadi Pathology & Genetics Center
Classification: Likely pathogenic for Charlevoix-Saguenay spastic ataxia. Last evaluated: 2023-10-01. Review status: criteria provided, single submitter. Criteria: ACMG Guidelines, 2015. Collection method: clinical testing. Allele origin: germline. Inheritance: Autosomal recessive inheritance. Affected: yes. Observed: 2 variant alleles.
Comment: PVS1 PM2

Literature cited by the submitters: PubMed 15156359 (cited by Labcorp Genetics (formerly Invitae), Labcorp); PubMed 21507954 (cited by Labcorp Genetics (formerly Invitae), Labcorp).